The following is an entry in ClinVar:

ClinVar aggregate classification (germline): Pathogenic (1 of 4 stars; one submission).

Conditions:
Glycogen storage disease, type IV (GSD4). Also called: AMYLOPECTINOSIS; ANDERSEN DISEASE; BRANCHER DEFICIENCY; CIRRHOSIS, FAMILIAL, WITH DEPOSITION OF ABNORMAL GLYCOGEN; GBE1 DEFICIENCY; GLYCOGEN BRANCHING ENZYME DEFICIENCY. Identifiers: Orphanet 367, MedGen C0017923, MONDO:0009292, OMIM 232500.
Glycogen storage disease IV, classic hepatic. Also called: GSD IV, CLASSIC HEPATIC. Identifiers: MedGen C1856301.

Submission:

Labcorp Genetics (formerly Invitae), Labcorp
Classification: Pathogenic for Glycogen storage disease, type IV; Glycogen storage disease IV, classic hepatic. Last evaluated: 2019-12-31. Review status: criteria provided, single submitter. Criteria: Invitae Variant Classification Sherloc (09022015). Collection method: clinical testing. Allele origin: germline.
Comment: For these reasons, this variant has been classified as Pathogenic. Loss-of-function variants in GBE1 are known to be pathogenic (PMID: 15452297, 20058079). This variant has not been reported in the literature in individuals with GBE1-related conditions. This variant is an out-of-frame deletion of the genomic region encompassing exon(s) 3-6 of the GBE1 gene. This is expected to create a premature translational stop signal and result in an absent or disrupted protein product.

Literature cited by the submitters: PubMed 15452297; PubMed 20058079.

NC_000003.12:g.(?_81646382)_(81670963_?)del

Gene: GBE1 (1,4-alpha-glucan branching enzyme 1; minus strand). Cytogenetic location: 3p12.2.
Variant type: Deletion.
Identifiers: ClinVar variation 833175 (VCV000833175.5).